The following is an entry in ClinVar:

NM_005529.7(HSPG2):c.5245C>T (p.Arg1749Cys)

Gene: HSPG2 (heparan sulfate proteoglycan 2; minus strand). Cytogenetic location: 1p36.12.
Variant type: single nucleotide variant.
Coding change: c.5245C>T on transcript NM_005529.7 (MANE Select); coding-DNA position 5245, C replaced by T.
Protein change: p.Arg1749Cys; replaces arginine 1749 with cysteine.
Molecular consequence: missense variant.
Genome position (GRCh38, 1-based): chr1:21,859,614, G>A on the plus strand (C>T on the coding strand, the complement: HSPG2 is on the minus strand). VCF-style: chr1-21859614-G-A. GRCh37 (hg19) VCF-style: chr1-22186107-G-A.
Other names: c.5248C>T, p.Arg1750Cys (NM_001291860.2); c.5245C>T (NM_005529.5); short protein forms R1749C, R1750C.
Identifiers: ClinVar variation 1504324 (VCV001504324.9), dbSNP rs751244526, ClinGen allele CA671997.

ClinVar aggregate classification (germline): Uncertain significance. Review status: criteria provided, multiple submitters, no conflicts (2 of 4 stars). 2 submissions from 2 submitters: Uncertain significance (2). Last evaluated 2024-08-12.

Conditions:
Inborn genetic diseases. Identifiers: MedGen C0950123, MeSH D030342.

Allele frequency attached by ClinVar (database versions not stated): TOPMed below 0.00001; ExAC 0.00001; gnomAD 0.00001; gnomAD exomes 0.00001.
gnomAD v4.1: 11 of 1,608,832 alleles (0.00068%); highest among the groups gnomAD compares: Admixed American, 0.0017%; no homozygotes.

Submissions (2):

Ambry Genetics
Classification: Uncertain significance for Inborn genetic diseases. Last evaluated: 2024-08-12. Review status: criteria provided, single submitter. Criteria: Ambry Variant Classification Scheme 2023. Collection method: clinical testing. Allele origin: germline.

Labcorp Genetics (formerly Invitae), Labcorp
Classification: Uncertain significance. Last evaluated: 2021-05-25. Review status: criteria provided, single submitter. Criteria: Invitae Variant Classification Sherloc (09022015). Collection method: clinical testing. Allele origin: germline.
Comment: Algorithms developed to predict the effect of missense changes on protein structure and function are either unavailable or do not agree on the potential impact of this missense change (SIFT: "Deleterious"; PolyPhen-2: "Probably Damaging"; Align-GVGD: "Class C0"). This variant has not been reported in the literature in individuals with HSPG2-related conditions. This variant is present in population databases (rs751244526, ExAC 0.002%). This sequence change replaces arginine with cysteine at codon 1749 of the HSPG2 protein (p.Arg1749Cys). The arginine residue is moderately conserved and there is a large physicochemical difference between arginine and cysteine. In summary, the available evidence is currently insufficient to determine the role of this variant in disease. Therefore, it has been classified as a Variant of Uncertain Significance.